The following is an entry in ClinVar:

ClinVar aggregate classification (germline): Uncertain significance. Review status: criteria provided, multiple submitters, no conflicts (2 of 4 stars). 2 submissions from 2 submitters: Uncertain significance (2). Last evaluated 2025-11-08.

Conditions:
Inborn genetic diseases. Identifiers: MedGen C0950123, MeSH D030342.

Allele frequency attached by ClinVar (database versions not stated): TOPMed below 0.00001; ExAC 0.00002.
gnomAD v4.1: 6 of 1,614,150 alleles (0.00037%); highest among the groups gnomAD compares: South Asian, 0.0022%; no homozygotes.

Submissions (2):

Ambry Genetics
Classification: Uncertain significance for Inborn genetic diseases. Last evaluated: 2025-11-08. Review status: criteria provided, single submitter. Criteria: Ambry Variant Classification Scheme 2023. Collection method: clinical testing. Allele origin: germline.

Labcorp Genetics (formerly Invitae), Labcorp
Classification: Uncertain significance. Last evaluated: 2023-04-20. Review status: criteria provided, single submitter. Criteria: Invitae Variant Classification Sherloc (09022015). Collection method: clinical testing. Allele origin: germline.
Comment: In summary, the available evidence is currently insufficient to determine the role of this variant in disease. Therefore, it has been classified as a Variant of Uncertain Significance. Advanced modeling of protein sequence and biophysical properties (such as structural, functional, and spatial information, amino acid conservation, physicochemical variation, residue mobility, and thermodynamic stability) performed at Invitae indicates that this missense variant is not expected to disrupt MYH3 protein function. This sequence change replaces glutamic acid, which is acidic and polar, with lysine, which is basic and polar, at codon 1685 of the MYH3 protein (p.Glu1685Lys). This variant is present in population databases (rs763805673, gnomAD 0.003%). This variant has not been reported in the literature in individuals affected with MYH3-related conditions.

NM_002470.4(MYH3):c.5053G>A (p.Glu1685Lys)

Gene: MYH3 (myosin heavy chain 3; minus strand). Cytogenetic location: 17p13.1.
Variant type: single nucleotide variant.
Coding change: c.5053G>A on transcript NM_002470.4 (MANE Select); coding-DNA position 5053, G replaced by A.
Protein change: p.Glu1685Lys; replaces glutamic acid 1685 with lysine.
Molecular consequence: missense variant.
Genome position (GRCh38, 1-based): chr17:10,631,920, C>T on the plus strand (G>A on the coding strand, the complement: MYH3 is on the minus strand). VCF-style: chr17-10631920-C-T. GRCh37 (hg19) VCF-style: chr17-10535237-C-T.
Other names: c.5053G>A (NM_002470.3); short protein forms E1685K.
Identifiers: ClinVar variation 2851092 (VCV002851092.4), dbSNP rs763805673, ClinGen allele CA8392059.
Genomic context (GRCh38, chr17:10,631,920, plus strand): 5'-GTTCCGCCAGTTTCCGGGCCCTCTCCGTCTGCTCCAGAGTAGCCCGCAGCTCCTCCACCT[C>T]GGCCTGCAGCAGGTTGGCTCTGCGCTCCACAATCGCCAGCTGCTCCTTCAGGTCCTCCTG-3'
Protein context (NP_002461.2, residues 1675-1695): VERRANLLQA[Glu1685Lys]VEELRATLEQ